The following is an entry in ClinVar:

NM_001282933.2(ZNF341):c.1536C>A (p.Phe512Leu)

Gene: ZNF341 (zinc finger protein 341; plus strand). Cytogenetic location: 20q11.22.
Variant type: single nucleotide variant.
Coding change: c.1536C>A on transcript NM_001282933.2 (MANE Select); coding-DNA position 1536, C replaced by A.
Protein change: p.Phe512Leu; replaces phenylalanine 512 with leucine.
Molecular consequence: missense variant. On other transcripts: non-coding transcript variant (1).
Genome position (GRCh38, 1-based): chr20:33,770,206, C>A. VCF-style: chr20-33770206-C-A. GRCh37 (hg19) VCF-style: chr20-32358012-C-A.
Other names: c.1266C>A, p.Phe422Leu (NM_001282935.2); c.1515C>A, p.Phe505Leu (NM_032819.5); short protein forms F505L, F422L, F512L.
Identifiers: ClinVar variation 2991599 (VCV002991599.3), dbSNP rs1173390467, ClinGen allele CA408658396.

ClinVar aggregate classification (germline): Uncertain significance (1 of 4 stars; one submission).

Allele frequency attached by ClinVar (database versions not stated): gnomAD exomes below 0.00001.
gnomAD v4.1: 2 of 1,614,188 alleles (0.00012%); highest among the groups gnomAD compares: Non-Finnish European, 0.000085%; no homozygotes.

Submission:

Labcorp Genetics (formerly Invitae), Labcorp
Classification: Uncertain significance. Last evaluated: 2023-05-25. Review status: criteria provided, single submitter. Criteria: Invitae Variant Classification Sherloc (09022015). Collection method: clinical testing. Allele origin: germline.
Comment: This sequence change replaces phenylalanine, which is neutral and non-polar, with leucine, which is neutral and non-polar, at codon 505 of the ZNF341 protein (p.Phe505Leu). In summary, the available evidence is currently insufficient to determine the role of this variant in disease. Therefore, it has been classified as a Variant of Uncertain Significance. An algorithm developed to predict the effect of missense changes on protein structure and function (PolyPhen-2) suggests that this variant is likely to be disruptive. This variant has not been reported in the literature in individuals affected with ZNF341-related conditions. This variant is present in population databases (no rsID available, gnomAD no frequency).